The following is an entry in ClinVar:

NM_002430.3(MN1):c.1827del (p.Ser609fs)

Gene: MN1 (MN1 proto-oncogene, transcriptional regulator; minus strand). Cytogenetic location: 22q12.1.
Variant type: Deletion.
Coding change: c.1827del on transcript NM_002430.3 (MANE Select); coding-DNA position 1827, one base deleted (C; older notation c.1827delC).
Protein change: p.Ser609fs; shifts the reading frame from serine 609.
Molecular consequence: frameshift variant.
Genome position (GRCh38, 1-based): chr22:27,798,717, G deleted on the plus strand (C on the coding strand, the reverse complement: MN1 is on the minus strand). VCF-style (leftmost placement, unchanged base first): chr22-27798716-TG-T. GRCh37 (hg19) VCF-style: chr22-28194704-TG-T.
Other names: short protein forms S609fs.
Identifiers: ClinVar variation 4625130 (VCV004625130.1).

ClinVar aggregate classification (germline): Pathogenic (1 of 4 stars; one submission).

Conditions:
Inborn genetic diseases. Identifiers: MedGen C0950123, MeSH D030342.

Submission:

Ambry Genetics
Classification: Pathogenic for Inborn genetic diseases. Last evaluated: 2025-09-17. Review status: criteria provided, single submitter. Criteria: Ambry Variant Classification Scheme 2023. Collection method: clinical testing. Allele origin: germline.
Comment: The c.1827delC (p.S609Rfs*76) alteration, located in coding exon 1 of the MN1 gene, consists of a deletion of one nucleotide at position 1827, causing a translational frameshift with a predicted alternate stop codon after 76 amino acids. This alteration is expected to result in loss of function by premature protein truncation or nonsense-mediated mRNA decay. for MN1-related craniofacial anomaly syndrome; however, its clinical significance for MN1 C-terminal truncation syndrome is uncertain. This variant was not reported in population-based cohorts in the Genome Aggregation Database (gnomAD). Based on the available evidence, this alteration is classified as pathogenic.